The following is an entry in ClinVar:

NM_014797.3(ZBTB24):c.1925A>G (p.Lys642Arg)

Gene: ZBTB24 (zinc finger and BTB domain containing 24; minus strand). Cytogenetic location: 6q21.
Variant type: single nucleotide variant.
Coding change: c.1925A>G on transcript NM_014797.3 (MANE Select); coding-DNA position 1925, A replaced by G.
Protein change: p.Lys642Arg; replaces lysine 642 with arginine.
Molecular consequence: missense variant.
Genome position (GRCh38, 1-based): chr6:109,466,020, T>C on the plus strand (A>G on the coding strand, the complement: ZBTB24 is on the minus strand). VCF-style: chr6-109466020-T-C. GRCh37 (hg19) VCF-style: chr6-109787223-T-C.
Other names: c.1925A>G (NM_014797.2); short protein forms K642R.
Identifiers: ClinVar variation 1366868 (VCV001366868.5), dbSNP rs754717708, ClinGen allele CA3953995.
Genomic context (GRCh38, chr6:109,466,020, plus strand): 5'-GTAGCTAAATGGAGCTCCTCTGTTTGCTCTTGATGGGCATGAAGATGTTCCAGTGTTTCC[T>C]TGGACAGAGTGATCACGTGCACTGGCTCTGTTTGTGAGGGCCCCATCTGGCTTTCAATCA-3'
Protein context (NP_055612.2, residues 632-652): TEPVHVITLS[Lys642Arg]ETLEHLHAHQ

ClinVar aggregate classification (germline): Uncertain significance. Review status: criteria provided, multiple submitters, no conflicts (2 of 4 stars). 2 submissions from 2 submitters: Uncertain significance (2). Last evaluated 2024-01-30.

Conditions:
Inborn genetic diseases. Identifiers: MedGen C0950123, MeSH D030342.
Immunodeficiency-centromeric instability-facial anomalies syndrome 2 (ICF2). Identifiers: Orphanet 2268, MedGen C3279748, MONDO:0013553, OMIM 614069.

Allele frequency attached by ClinVar (database versions not stated): gnomAD exomes below 0.00001 and 0.00002; ExAC 0.00001; TOPMed 0.00002.
gnomAD v4.1: 31 of 1,614,234 alleles (0.0019%); highest among the groups gnomAD compares: Non-Finnish European, 0.0025%; no homozygotes.

Submissions (2):

Ambry Genetics
Classification: Uncertain significance for Inborn genetic diseases. Last evaluated: 2024-01-30. Review status: criteria provided, single submitter. Criteria: Ambry Variant Classification Scheme 2023. Collection method: clinical testing. Allele origin: germline.

Labcorp Genetics (formerly Invitae), Labcorp
Classification: Uncertain significance for Immunodeficiency-centromeric instability-facial anomalies syndrome 2. Last evaluated: 2021-10-05. Review status: criteria provided, single submitter. Criteria: Invitae Variant Classification Sherloc (09022015). Collection method: clinical testing. Allele origin: germline.
Comment: In summary, the available evidence is currently insufficient to determine the role of this variant in disease. Therefore, it has been classified as a Variant of Uncertain Significance. Algorithms developed to predict the effect of sequence changes on RNA splicing suggest that this variant may create or strengthen a splice site. Algorithms developed to predict the effect of missense changes on protein structure and function are either unavailable or do not agree on the potential impact of this missense change (SIFT: "Not Available"; PolyPhen-2: "Probably Damaging"; Align-GVGD: "Not Available"). This variant has not been reported in the literature in individuals affected with ZBTB24-related conditions. This variant is present in population databases (rs754717708, ExAC 0.001%). This sequence change replaces lysine with arginine at codon 642 of the ZBTB24 protein (p.Lys642Arg). The lysine residue is moderately conserved and there is a small physicochemical difference between lysine and arginine.